The following is an entry in ClinVar:

NM_152564.5(VPS13B):c.1844-6T>G

Gene: VPS13B (vacuolar protein sorting 13 homolog B; plus strand). Cytogenetic location: 8q22.2.
Variant type: single nucleotide variant.
Coding change: c.1844-6T>G on transcript NM_152564.5 (MANE Select); 6 bases into the intron before coding-DNA position 1844, T replaced by G.
Molecular consequence: intron variant.
Genome position (GRCh38, 1-based): chr8:99,147,835, T>G. VCF-style: chr8-99147835-T-G. GRCh37 (hg19) VCF-style: chr8-100160063-T-G.
Other names: c.1844-6T>G (NM_017890.5, NM_015243.3).
Identifiers: ClinVar variation 2095615 (VCV002095615.4), dbSNP rs2488802969, ClinGen allele CA2580079115.

ClinVar aggregate classification (germline): Uncertain significance (1 of 4 stars; one submission).

Conditions:
Cohen syndrome (COH1). Also called: Cutis verticis gyrata, retinitis pigmentosa, and sensorineural deafness; PEPPER SYNDROME. Identifiers: Orphanet 193, MedGen C0265223, MONDO:0008999, OMIM 216550.

Submission:

Labcorp Genetics (formerly Invitae), Labcorp
Classification: Uncertain significance for Cohen syndrome. Last evaluated: 2022-02-09. Review status: criteria provided, single submitter. Criteria: Invitae Variant Classification Sherloc (09022015). Collection method: clinical testing. Allele origin: germline.
Comment: Algorithms developed to predict the effect of sequence changes on RNA splicing suggest that this variant may disrupt the consensus splice site. In summary, the available evidence is currently insufficient to determine the role of this variant in disease. Therefore, it has been classified as a Variant of Uncertain Significance. This sequence change falls in intron 13 of the VPS13B gene. It does not directly change the encoded amino acid sequence of the VPS13B protein. This variant is not present in population databases (gnomAD no frequency). This variant has not been reported in the literature in individuals affected with VPS13B-related conditions.